The following is an entry in ClinVar:

NM_000782.5(CYP24A1):c.*77T>G

Gene: CYP24A1 (cytochrome P450 family 24 subfamily A member 1; minus strand). Cytogenetic location: 20q13.2.
Variant type: single nucleotide variant.
Coding change: c.*77T>G on transcript NM_000782.5 (MANE Select); 77 bases downstream of the stop codon, T replaced by G.
Molecular consequence: 3 prime UTR variant.
Genome position (GRCh38, 1-based): chr20:54,154,695, A>C on the plus strand (T>G on the coding strand, the complement: CYP24A1 is on the minus strand). VCF-style: chr20-54154695-A-C. GRCh37 (hg19) VCF-style: chr20-52771234-A-C.
Other names: c.*77T>G (NM_001128915.2).
Identifiers: ClinVar variation 338808 (VCV000338808.6), dbSNP rs16999067, ClinGen allele CA10653251.

ClinVar aggregate classification (germline): Benign (1 of 4 stars; one submission).

Conditions:
Hypercalcemia, infantile, 1 (HCINF1). Identifiers: Orphanet 300547, MedGen CN031131, MONDO:0020739, OMIM 143880.

Allele frequency attached by ClinVar (database versions not stated): gnomAD exomes 0.00405; 1000 Genomes Project 30x 0.03092; gnomAD 0.02858 and 0.02652; 1000 Genomes Project 0.02636; TOPMed 0.03068.
gnomAD v4.1: 4,014 of 154,770 alleles (2.6%); highest among the groups gnomAD compares: African/African-American, 9.2%; 183 homozygotes.

Submission:

Illumina Laboratory Services, Illumina
Classification: Benign for Hypercalcemia, infantile, 1. Last evaluated: 2018-01-13. Review status: criteria provided, single submitter. Criteria: ICSL Variant Classification Criteria 13 December 2019. Collection method: clinical testing. Allele origin: germline.
Comment: This variant was observed in the ICSL laboratory as part of a predisposition screen in an ostensibly healthy population. It had not been previously curated by ICSL or reported in the Human Gene Mutation Database (HGMD: prior to June 1st, 2018), and was therefore a candidate for classification through an automated scoring system. Utilizing variant allele frequency, disease prevalence and penetrance estimates, and inheritance mode, an automated score was calculated to assess if this variant is too frequent to cause the disease. Based on the score and internal cut-off values, a variant classified as benign is not then subjected to further curation. The score for this variant resulted in a classification of benign for this disease.